The following is an entry in ClinVar:

NM_000090.4(COL3A1):c.3985G>C (p.Gly1329Arg)

Gene: COL3A1 (collagen type III alpha 1 chain; plus strand). Cytogenetic location: 2q32.2.
Variant type: single nucleotide variant.
Coding change: c.3985G>C on transcript NM_000090.4 (MANE Select); coding-DNA position 3985, G replaced by C.
Protein change: p.Gly1329Arg; replaces glycine 1329 with arginine.
Molecular consequence: missense variant.
Genome position (GRCh38, 1-based): chr2:189,010,339, G>C. VCF-style: chr2-189010339-G-C. GRCh37 (hg19) VCF-style: chr2-189875065-G-C.
Other names: short protein forms G1329R.
Identifiers: ClinVar variation 2755139 (VCV002755139.3), dbSNP rs2469169230, ClinGen allele CA349848895.
Genomic context (GRCh38, chr2:189,010,339, plus strand): 5'-AATGTTCCACGGAAACACTGGTGGACAGATTCTAGTGCTGAGAAGAAACACGTTTGGTTT[G>C]GAGAGTCCATGGATGGTGGTTTTCAGGTAGGAAAGGATATACCTTTTTTTAAATAAGTCA-3'
Protein context (NP_000081.2, residues 1319-1339): SSAEKKHVWF[Gly1329Arg]ESMDGGFQFS

ClinVar aggregate classification (germline): Uncertain significance (1 of 4 stars; one submission).

Conditions:
Ehlers-Danlos syndrome, type 4 (EDSVASC). Also called: Ehlers-Danlos Syndrome Type IV; Ehlers-Danlos syndrome vascular type; Ehlers Danlos syndrome, ecchymotic type; Ehlers Danlos syndrome, arterial type; Ehlers Danlos syndrome, Sack-Barabas type. Identifiers: Orphanet 286, MedGen C0268338, MONDO:0017314, OMIM 130050.

Submission:

Labcorp Genetics (formerly Invitae), Labcorp
Classification: Uncertain significance for Ehlers-Danlos syndrome, type 4. Last evaluated: 2023-09-23. Review status: criteria provided, single submitter. Criteria: Invitae Variant Classification Sherloc (09022015). Collection method: clinical testing. Allele origin: germline.
Comment: This sequence change replaces glycine, which is neutral and non-polar, with arginine, which is basic and polar, at codon 1329 of the COL3A1 protein (p.Gly1329Arg). This variant is not present in population databases (gnomAD no frequency). This variant has not been reported in the literature in individuals affected with COL3A1-related conditions. Advanced modeling of protein sequence and biophysical properties (such as structural, functional, and spatial information, amino acid conservation, physicochemical variation, residue mobility, and thermodynamic stability) has been performed at Invitae for this missense variant, however the output from this modeling did not meet the statistical confidence thresholds required to predict the impact of this variant on COL3A1 protein function. In summary, the available evidence is currently insufficient to determine the role of this variant in disease. Therefore, it has been classified as a Variant of Uncertain Significance.